The following is an entry in ClinVar:

ClinVar aggregate classification (germline): Likely pathogenic (1 of 4 stars; one submission).

Submission:

Dasa
Classification: Likely pathogenic. Last evaluated: 2026-01-16. Review status: criteria provided, single submitter. Criteria: DASA Assertion Criteria. Collection method: clinical testing. Allele origin: germline.
Comment: NM_024312.5(GNPTAB):c.1872_1891del (p.Glu624Aspfs*24) is a frameshift variant in GNPTAB predicted to alter the reading frame and introduce a premature termination codon and is predicted to result in an absent or altered protein product. Loss of function is an established disease mechanism for GNPTAB-associated disorders. Also, this variant is rare in population databases. Based on the currently available evidence, this variant is classified as likely pathogenic.

NM_024312.5(GNPTAB):c.1872_1891del (p.Glu624fs)

Gene: GNPTAB (N-acetylglucosamine-1-phosphate transferase subunits alpha and beta; minus strand). Cytogenetic location: 12q23.2.
Variant type: Deletion.
Coding change: c.1872_1891del on transcript NM_024312.5 (MANE Select); coding-DNA positions 1872 to 1891, 20 bases deleted (GTTCAAAATGCAGATAACAG).
Protein change: p.Glu624fs; shifts the reading frame from glutamic acid 624.
Molecular consequence: frameshift variant.
Genome position (GRCh38, 1-based): chr12:101,765,026-101,765,045, CTGTTATCTGCATTTTGAAC deleted on the plus strand (GTTCAAAATGCAGATAACAG on the coding strand, the reverse complement: GNPTAB is on the minus strand). VCF-style (leftmost placement, unchanged base first): chr12-101765025-ACTGTTATCTGCATTTTGAAC-A. GRCh37 (hg19) VCF-style: chr12-102158803-ACTGTTATCTGCATTTTGAAC-A.
Other names: short protein forms E624fs.
Identifiers: ClinVar variation 4880814 (VCV004880814.2).
Genomic context (GRCh38, chr12:101,765,025, plus strand): 5'-TTTTCGTAACCCTTCTGGGCTGTAGAATTCAGTTTTGGTCCCTCCCTTGTGTCCACCTCC[ACTGTTATCTGCATTTTGAAC>A]TCTTCATCGTTTGTATTTTGAAACGTGAGATTAAAATGTATTGTGGTGGCATTCATTCCA-3'